The following is an entry in ClinVar:

ClinVar aggregate classification (germline): Uncertain significance (1 of 4 stars; one submission).

Submission:

GeneDx
Classification: Uncertain significance. Last evaluated: 2025-06-13. Review status: criteria provided, single submitter. Criteria: GeneDx Variant Classification Process June 2021. Collection method: clinical testing. Allele origin: germline. Affected: yes.
Comment: Not observed at significant frequency in large population cohorts (gnomAD); In silico analysis suggests that this missense variant does not alter protein structure/function; Has not been previously published as pathogenic or benign to our knowledge

NM_173560.4(RFX6):c.1177G>T (p.Ala393Ser)

Gene: RFX6 (regulatory factor X6; plus strand). Cytogenetic location: 6q22.1.
Variant type: single nucleotide variant.
Coding change: c.1177G>T on transcript NM_173560.4 (MANE Select); coding-DNA position 1177, G replaced by T.
Protein change: p.Ala393Ser; replaces alanine 393 with serine.
Molecular consequence: missense variant.
Genome position (GRCh38, 1-based): chr6:116,919,291, G>T. VCF-style: chr6-116919291-G-T. GRCh37 (hg19) VCF-style: chr6-117240454-G-T.
Other names: short protein forms A393S.
Identifiers: ClinVar variation 4537658 (VCV004537658.1).